The following is an entry in ClinVar:

ClinVar aggregate classification (germline): Uncertain significance. Review status: criteria provided, multiple submitters, no conflicts (2 of 4 stars). 2 submissions from 2 submitters: Uncertain significance (2). Last evaluated 2023-01-30.

Submissions (2):

Blueprint Genetics
Classification: Uncertain significance. Last evaluated: 2023-01-30. Review status: criteria provided, single submitter. Criteria: ACMG Guidelines, 2015. Collection method: clinical testing. Allele origin: germline.

Labcorp Genetics (formerly Invitae), Labcorp
Classification: Uncertain significance. Last evaluated: 2022-12-25. Review status: criteria provided, single submitter. Criteria: Invitae Variant Classification Sherloc (09022015). Collection method: clinical testing. Allele origin: germline.
Comment: This sequence change replaces glutamic acid, which is acidic and polar, with glycine, which is neutral and non-polar, at codon 427 of the TWNK protein (p.Glu427Gly). This variant is not present in population databases (gnomAD no frequency). This variant has not been reported in the literature in individuals affected with TWNK-related conditions. Advanced modeling of protein sequence and biophysical properties (such as structural, functional, and spatial information, amino acid conservation, physicochemical variation, residue mobility, and thermodynamic stability) performed at Invitae indicates that this missense variant is expected to disrupt TWNK protein function. Algorithms developed to predict the effect of sequence changes on RNA splicing suggest that this variant may disrupt the consensus splice site. In summary, the available evidence is currently insufficient to determine the role of this variant in disease. Therefore, it has been classified as a Variant of Uncertain Significance.

NM_021830.5(TWNK):c.1280A>G (p.Glu427Gly)

Gene: TWNK (twinkle mtDNA helicase; plus strand). Cytogenetic location: 10q24.31.
Variant type: single nucleotide variant.
Coding change: c.1280A>G on transcript NM_021830.5 (MANE Select); coding-DNA position 1280, A replaced by G.
Protein change: p.Glu427Gly; replaces glutamic acid 427 with glycine.
Molecular consequence: missense variant. On other transcripts: 5 prime UTR variant (2), non-coding transcript variant (2), intron variant (1).
Genome position (GRCh38, 1-based): chr10:100,989,680, A>G. VCF-style: chr10-100989680-A-G. GRCh37 (hg19) VCF-style: chr10-102749437-A-G.
Other names: c.1280A>G, p.Glu427Gly (NM_001163812.2); c.-83A>G (NM_001163813.2, NM_001163814.2); c.-57-26A>G (NM_001368275.1); short protein forms E427G.
Identifiers: ClinVar variation 2086790 (VCV002086790.5), dbSNP rs11542126, ClinGen allele CA212963458.
Genomic context (GRCh38, chr10:100,989,680, plus strand): 5'-CAGGTCTGTTCCACCCCACTGCAGGGCCAACAGGCAGTGGAAAGACGACATTCATCAGTG[A>G]GTATGCCCTGGATTTGTGTTCCCAGGGGGTGAACACACTGTGGGGTAGCTTCGAGATCAG-3'
Protein context (NP_068602.2, residues 417-437): TGSGKTTFIS[Glu427Gly]YALDLCSQGV